The following is an entry in ClinVar:

NM_170606.3(KMT2C):c.11411G>A (p.Cys3804Tyr)

Gene: KMT2C (lysine methyltransferase 2C; minus strand). Cytogenetic location: 7q36.1.
Variant type: single nucleotide variant.
Coding change: c.11411G>A on transcript NM_170606.3 (MANE Select); coding-DNA position 11411, G replaced by A.
Protein change: p.Cys3804Tyr; replaces cysteine 3804 with tyrosine.
Molecular consequence: missense variant.
Genome position (GRCh38, 1-based): chr7:152,162,166, C>T on the plus strand (G>A on the coding strand, the complement: KMT2C is on the minus strand). VCF-style: chr7-152162166-C-T. GRCh37 (hg19) VCF-style: chr7-151859251-C-T.
Other names: short protein forms C3804Y.
Identifiers: ClinVar variation 3899087 (VCV003899087.1).

ClinVar aggregate classification (germline): Uncertain significance (1 of 4 stars; one submission).

Submission:

GeneDx
Classification: Uncertain significance. Last evaluated: 2024-11-11. Review status: criteria provided, single submitter. Criteria: GeneDx Variant Classification Process June 2021. Collection method: clinical testing. Allele origin: germline. Affected: yes.
Comment: Not observed at significant frequency in large population cohorts (gnomAD); In silico analysis supports that this missense variant has a deleterious effect on protein structure/function; Has not been previously published as pathogenic or benign to our knowledge